The following is an entry in ClinVar:

ClinVar aggregate classification (germline): Uncertain significance (1 of 4 stars; one submission).

Conditions:
Brugada syndrome 4 (BRGDA4). Identifiers: Orphanet 130, MedGen C2678477, MONDO:0012743, OMIM 611876.

Allele frequency attached by ClinVar (database versions not stated): gnomAD exomes below 0.00001; ExAC 0.00001; gnomAD 0.00001.
gnomAD v4.1: 47 of 1,613,920 alleles (0.0029%); highest among the groups gnomAD compares: Non-Finnish European, 0.004%; no homozygotes.

Submission:

Labcorp Genetics (formerly Invitae), Labcorp
Classification: Uncertain significance for Brugada syndrome 4. Last evaluated: 2024-07-30. Review status: criteria provided, single submitter. Criteria: Invitae Variant Classification Sherloc (09022015). Collection method: clinical testing. Allele origin: germline.
Comment: This sequence change replaces arginine, which is basic and polar, with leucine, which is neutral and non-polar, at codon 42 of the CACNB2 protein (p.Arg42Leu). This variant is present in population databases (rs776194653, gnomAD 0.0009%). This variant has not been reported in the literature in individuals affected with CACNB2-related conditions. ClinVar contains an entry for this variant (Variation ID: 1360690). Advanced modeling of protein sequence and biophysical properties (such as structural, functional, and spatial information, amino acid conservation, physicochemical variation, residue mobility, and thermodynamic stability) performed at Invitae indicates that this missense variant is not expected to disrupt CACNB2 protein function with a negative predictive value of 80%. In summary, the available evidence is currently insufficient to determine the role of this variant in disease. Therefore, it has been classified as a Variant of Uncertain Significance.

NM_201596.3(CACNB2):c.287G>T (p.Arg96Leu)

Gene: CACNB2 (calcium voltage-gated channel auxiliary subunit beta 2; plus strand). Cytogenetic location: 10p12.31.
Variant type: single nucleotide variant.
Coding change: c.287G>T on transcript NM_201596.3 (MANE Select); coding-DNA position 287, G replaced by T.
Protein change: p.Arg96Leu; replaces arginine 96 with leucine.
Molecular consequence: missense variant.
Genome position (GRCh38, 1-based): chr10:18,401,997, G>T. VCF-style: chr10-18401997-G-T. GRCh37 (hg19) VCF-style: chr10-18690926-G-T.
Other names: c.122G>T, p.Arg41Leu (NM_000724.4, NM_001330060.2); c.203G>T, p.Arg68Leu (NM_001167945.2, NM_201571.4, NM_201572.4); c.143G>T, p.Arg48Leu (NM_201570.3); c.125G>T, p.Arg42Leu (NM_201590.3); c.287G>T, p.Arg96Leu (NM_201593.3, NM_201597.3); short protein forms R41L, R48L, R42L, R68L, R96L.
Identifiers: ClinVar variation 1360690 (VCV001360690.5), dbSNP rs776194653, ClinGen allele CA5429550.
Genomic context (GRCh38, chr10:18,401,997, plus strand): 5'-CCTACACTAGCCGTCCATCCGATTCCGATGTATCTCTGGAGGAGGACCGGGAGGCAGTGC[G>T]CAGAGAAGCGGAGCGGCAGGCCCAGGCACAGTTGGAAAAAGCAAAGGTAAAATCGTTTCC-3'
Protein context (NP_963890.2, residues 86-106): VSLEEDREAV[Arg96Leu]REAERQAQAQ